The following is an entry in ClinVar:

ClinVar aggregate classification (germline): Benign. Review status: criteria provided, multiple submitters, no conflicts (2 of 4 stars). 2 submissions from 2 submitters: Benign (2). Last evaluated 2018-06-16.

Allele frequency attached by ClinVar (database versions not stated): gnomAD exomes 0.00429; 1000 Genomes Project 30x 0.01593; ESP Exome Variant Server 0.01715; 1000 Genomes Project 0.01498; TOPMed 0.01592; ExAC 0.00523.
gnomAD v4.1: 4,384 of 1,519,648 alleles (0.29%); highest among the groups gnomAD compares: African/African-American, 6.1%; 104 homozygotes.

Submissions (2):

GeneDx
Classification: Benign. Last evaluated: 2018-06-16. Review status: criteria provided, single submitter. Criteria: GeneDx Variant Classification (06012015). Collection method: clinical testing. Allele origin: germline. Affected: yes.
Comment: This variant is considered likely benign or benign based on one or more of the following criteria: it is a conservative change, it occurs at a poorly conserved position in the protein, it is predicted to be benign by multiple in silico algorithms, and/or has population frequency not consistent with disease.

Breakthrough Genomics
Classification: Benign. Review status: criteria provided, single submitter. Criteria: ACMG Guidelines, 2015. Collection method: not provided. Allele origin: germline. Inheritance: Autosomal recessive inheritance. Affected: yes.

NM_203447.4(DOCK8):c.333-38C>T

Gene: DOCK8 (dedicator of cytokinesis 8; plus strand). Cytogenetic location: 9p24.3.
Variant type: single nucleotide variant.
Coding change: c.333-38C>T on transcript NM_203447.4 (MANE Select); 38 bases into the intron before coding-DNA position 333, C replaced by T.
Molecular consequence: intron variant.
Genome position (GRCh38, 1-based): chr9:289,472, C>T. VCF-style: chr9-289472-C-T. GRCh37 (hg19) VCF-style: chr9-289472-C-T.
Other names: c.129-38C>T (NM_001193536.2, NM_001190458.2).
Identifiers: ClinVar variation 675886 (VCV000675886.2), dbSNP rs115532830, ClinGen allele CA4957181.